The following is an entry in ClinVar:

NM_001009944.3(PKD1):c.6808_6811del (p.Asp2270fs)

Gene: PKD1 (polycystin 1, transient receptor potential channel interacting; minus strand). Cytogenetic location: 16p13.3.
Variant type: Deletion.
Coding change: c.6808_6811del on transcript NM_001009944.3 (MANE Select); coding-DNA positions 6808 to 6811, 4 bases deleted (GACA; older notation c.6808_6811delGACA).
Protein change: p.Asp2270fs; shifts the reading frame from aspartic acid 2270.
Molecular consequence: frameshift variant.
Genome position (GRCh38, 1-based): chr16:2,108,356-2,108,359, TGTC deleted on the plus strand (GACA on the coding strand, the reverse complement: PKD1 is on the minus strand); deleting any 4 consecutive bases within chr16:2,108,356-2,108,361 gives the same sequence; the c. name uses the placement nearest the transcript's 3' end. VCF-style (leftmost placement, unchanged base first): chr16-2108355-GTGTC-G. GRCh37 (hg19) VCF-style: chr16-2158356-GTGTC-G.
Other names: c.6808_6811del, p.Asp2270fs (NM_000296.4); short protein forms D2270fs.
Identifiers: ClinVar variation 3335875 (VCV003335875.2).
Genomic context (GRCh38, chr16:2,108,355, plus strand): 5'-TGGTCGCCGTCCTCCAGGTTGGGGTCGTAGGACTCGCTCCCATCCAGCACCAGGTCCCGT[GTGTC>G]TGACCACACGCGGTATGAGCCACCCTCAATGATGGGCACCAGGCGCTCGGGGGCCACCGT-3'

ClinVar aggregate classification (germline): Pathogenic (1 of 4 stars; one submission).

Conditions:
Polycystic kidney disease, adult type (PKD1). Also called: Polycystic Kidney, Autosomal Dominant; POLYCYSTIC KIDNEY DISEASE 1 WITH OR WITHOUT POLYCYSTIC LIVER DISEASE; POLYCYSTIC KIDNEY DISEASE, ADULT, TYPE I; Polycystic Kidney Disease 1, Autosomal Dominant; Polycystic kidney disease 1; Polycystic kidney disease 1, severe. Identifiers: MedGen C3149841, MONDO:0008263, OMIM 173900.

Submission:

Juno Genomics, Hangzhou Juno Genomics, Inc
Classification: Pathogenic for Polycystic kidney disease, adult type. Review status: criteria provided, single submitter. Criteria: ACMG Guidelines, 2015. Collection method: clinical testing. Allele origin: germline. Affected: yes.
Comment: Null variant in a gene where loss of function (LOF) is a known mechanism of disease.;Absent from controls (or at extremely low frequency if recessive) in Genome Aggregation Database, Exome Sequencing Project, 1000 Genomes Project, or Exome Aggregation Consortium.;The prevalence of the variant in affected individuals is significantly increased compared to the prevalence in controls.;Patient's phenotype or family history is highly specific for a disease with a single genetic etiology.